The following is an entry in ClinVar:

NM_005866.4(SIGMAR1):c.530T>C (p.Val177Ala)

Gene: SIGMAR1 (sigma receptor chaperone 1; minus strand). Cytogenetic location: 9p13.3.
Variant type: single nucleotide variant.
Coding change: c.530T>C on transcript NM_005866.4 (MANE Select); coding-DNA position 530, T replaced by C.
Protein change: p.Val177Ala; replaces valine 177 with alanine.
Molecular consequence: missense variant. On other transcripts: 3 prime UTR variant (2), non-coding transcript variant (1), intron variant (1).
Genome position (GRCh38, 1-based): chr9:34,635,774, A>G on the plus strand (T>C on the coding strand, the complement: SIGMAR1 is on the minus strand). VCF-style: chr9-34635774-A-G. GRCh37 (hg19) VCF-style: chr9-34635771-A-G.
Other names: c.230T>C, p.Val77Ala (NM_001282206.2); c.470T>C, p.Val157Ala (NM_001282207.2); c.*73T>C (NM_001282208.2); c.*57T>C (NM_001282209.2); c.437T>C, p.Val146Ala (NM_147157.3); c.446-134T>C (NM_001282205.2); short protein forms V177A, V77A, V146A, V157A.
Identifiers: ClinVar variation 2010511 (VCV002010511.4), dbSNP rs1587225550, ClinGen allele CA373272572.

ClinVar aggregate classification (germline): Uncertain significance (1 of 4 stars; one submission).

Conditions:
Autosomal recessive distal spinal muscular atrophy 2. Also called: NEUROPATHY, DISTAL HEREDITARY MOTOR, AUTOSOMAL RECESSIVE 2; NEURONOPATHY, DISTAL HEREDITARY MOTOR, JERASH TYPE; NEUROPATHY, DISTAL HEREDITARY MOTOR, JERASH TYPE; SPINAL MUSCULAR ATROPHY, JERASH TYPE; Hereditary motor neuropathy, Jerash type; Motor neuropathy, distal, Jerash type. Identifiers: Orphanet 139552, MedGen C1854023, MONDO:0011585, OMIM 605726.
Amyotrophic lateral sclerosis type 16. Also called: AMYOTROPHIC LATERAL SCLEROSIS 16, JUVENILE. Identifiers: Orphanet 300605, MedGen C3280587, MONDO:0013715, OMIM 614373.

Submission:

Labcorp Genetics (formerly Invitae), Labcorp
Classification: Uncertain significance for Autosomal recessive distal spinal muscular atrophy 2; Amyotrophic lateral sclerosis type 16. Last evaluated: 2022-06-25. Review status: criteria provided, single submitter. Criteria: Invitae Variant Classification Sherloc (09022015). Collection method: clinical testing. Allele origin: germline.
Comment: This sequence change replaces valine, which is neutral and non-polar, with alanine, which is neutral and non-polar, at codon 177 of the SIGMAR1 protein (p.Val177Ala). This variant is not present in population databases (gnomAD no frequency). This variant has not been reported in the literature in individuals affected with SIGMAR1-related conditions. Algorithms developed to predict the effect of missense changes on protein structure and function are either unavailable or do not agree on the potential impact of this missense change (SIFT: "Tolerated"; PolyPhen-2: "Possibly Damaging"; Align-GVGD: "Class C0"). In summary, the available evidence is currently insufficient to determine the role of this variant in disease. Therefore, it has been classified as a Variant of Uncertain Significance.